The following is an entry in ClinVar:

ClinVar aggregate classification (germline): Pathogenic. Review status: criteria provided, multiple submitters, no conflicts (2 of 4 stars). 3 submissions from 3 submitters: Pathogenic (3). Last evaluated 2025-01-21.

Conditions:
Type 2 diabetes mellitus. Also called: Type II diabetes mellitus. Identifiers: MedGen C0011860, MeSH D003924, MONDO:0005148, OMIM 125853, HP:0005978.
Familial hyperinsulinism. Also called: Congenital hyperinsulinism. Identifiers: Orphanet 276525, MedGen C3888018, MONDO:0017182. Disease mechanism: loss of function.

Allele frequency attached by ClinVar (database versions not stated): gnomAD exomes below 0.00001.
gnomAD v4.1: 1 of 1,612,186 alleles (0.000062%); highest among the groups gnomAD compares: Non-Finnish European, 0.000085%; no homozygotes.

Submissions (3):

Women's Health and Genetics/Laboratory Corporation of America, LabCorp
Classification: Pathogenic for Familial hyperinsulinism. Last evaluated: 2025-01-21. Review status: criteria provided, single submitter. Criteria: LabCorp Variant Classification Summary - May 2015. Collection method: clinical testing. Allele origin: germline.
Comment: Variant summary: ABCC8 c.96C>G (p.Asn32Lys) results in a non-conservative amino acid change in the encoded protein sequence. Five of five in-silico tools predict a damaging effect of the variant on protein function. The frequency data for this variant in gnomAD is considered unreliable, as metrics indicate poor data quality at this position. c.96C>G has been reported in the literature in multiple bi-allelic individuals affected with Congenital Hyperinsulinism (examples: Kapoor_2013, Alaei_2016, Hashemian_2021) and at-least one heterozygous individual affected with Congenital Hyperinsulinism (examples: Razzaghy-Azar_2021). Additionally, it has also been reported in one compound heterozygous individual affected with MODY (Evin_2023). These data indicate that the variant is very likely to be associated with Congenital Hyperinsulinism. The following publications have been ascertained in the context of this evaluation (PMID: 28123437, 23345197, 34927408, 34055426, 37071846). ClinVar contains an entry for this variant (Variation ID: 2678076). While this variant has been reported in the literature, the clinical significance of the variant for Autosomal Dominant Congenital Hyperinsulinism could not be established. Based on the evidence outlined above, this variant is pathogenic for Autosomal Recessive Congenital Hyperinsulinism.

Labcorp Genetics (formerly Invitae), Labcorp
Classification: Pathogenic. Last evaluated: 2023-12-25. Review status: criteria provided, single submitter. Criteria: Invitae Variant Classification Sherloc (09022015). Collection method: clinical testing. Allele origin: germline.
Comment: This sequence change replaces asparagine, which is neutral and polar, with lysine, which is basic and polar, at codon 32 of the ABCC8 protein (p.Asn32Lys). This variant is not present in population databases (gnomAD no frequency). This missense change has been observed in individual(s) with congenital hyperinsulinism (PMID: 23275527, 28123437, 34055426). In at least one individual the data is consistent with being in trans (on the opposite chromosome) from a pathogenic variant. Advanced modeling of protein sequence and biophysical properties (such as structural, functional, and spatial information, amino acid conservation, physicochemical variation, residue mobility, and thermodynamic stability) performed at Invitae indicates that this missense variant is expected to disrupt ABCC8 protein function with a positive predictive value of 95%. For these reasons, this variant has been classified as Pathogenic.

Baylor Genetics
Classification: Pathogenic for Type 2 diabetes mellitus. Last evaluated: 2023-02-26. Review status: criteria provided, single submitter. Criteria: ACMG Guidelines, 2015. Collection method: clinical testing. Allele origin: unknown.

Literature cited by the submitters: PubMed 23345197 (cited by Women's Health and Genetics/Laboratory Corporation of America, LabCorp); PubMed 28123437 (cited by Women's Health and Genetics/Laboratory Corporation of America, LabCorp and Labcorp Genetics (formerly Invitae), Labcorp); PubMed 37071846 (cited by Women's Health and Genetics/Laboratory Corporation of America, LabCorp); PubMed 34055426 (cited by Women's Health and Genetics/Laboratory Corporation of America, LabCorp and Labcorp Genetics (formerly Invitae), Labcorp); PubMed 34927408 (cited by Women's Health and Genetics/Laboratory Corporation of America, LabCorp); PubMed 23275527 (cited by Labcorp Genetics (formerly Invitae), Labcorp).

NM_000352.6(ABCC8):c.96C>G (p.Asn32Lys)

Gene: ABCC8 (ATP binding cassette subfamily C member 8; minus strand). Cytogenetic location: 11p15.1.
Variant type: single nucleotide variant.
Coding change: c.96C>G on transcript NM_000352.6 (MANE Select); coding-DNA position 96, C replaced by G.
Protein change: p.Asn32Lys; replaces asparagine 32 with lysine.
Molecular consequence: missense variant. On other transcripts: non-coding transcript variant (1).
Genome position (GRCh38, 1-based): chr11:17,476,681, G>C on the plus strand (C>G on the coding strand, the complement: ABCC8 is on the minus strand). VCF-style: chr11-17476681-G-C. GRCh37 (hg19) VCF-style: chr11-17498228-G-C.
Other names: c.96C>G, p.Asn32Lys (NM_001287174.3, NM_001351295.2, NM_001351296.2 and 1 more transcripts); short protein forms N32K.
Identifiers: ClinVar variation 2678076 (VCV002678076.6), dbSNP rs2496930134, ClinGen allele CA379790011.